The following is an entry in ClinVar:

NM_000501.4(ELN):c.1358-208G>A

Gene: ELN (elastin; plus strand). Cytogenetic location: 7q11.23.
Variant type: single nucleotide variant.
Coding change: c.1358-208G>A on transcript NM_000501.4 (MANE Select); 208 bases into the intron before coding-DNA position 1358, G replaced by A.
Molecular consequence: intron variant. On other transcripts: missense variant (1).
Genome position (GRCh38, 1-based): chr7:74,057,432, G>A. VCF-style: chr7-74057432-G-A. GRCh37 (hg19) VCF-style: chr7-73471762-G-A.
Other names: c.1358-208G>A (NM_001278912.2, NM_001278915.2); c.1357+719G>A (NM_001081755.3); c.1315+719G>A (NM_001278916.2); c.1171+719G>A (NM_001278913.2); c.1342+719G>A (NM_001278914.2); c.1328-208G>A (NM_001278917.2); c.1327+719G>A (NM_001081752.3); c.1147+719G>A (NM_001278918.2); and 3 more; short protein forms A470T.
Identifiers: ClinVar variation 2724761 (VCV002724761.3), dbSNP rs4464848, ClinGen allele CA4292988.

ClinVar aggregate classification (germline): Uncertain significance (1 of 4 stars; one submission).

Conditions:
Supravalvar aortic stenosis (SVAS). Also called: Supravalvar aortic stenosis, Eisenberg type. Identifiers: Orphanet 3193, MedGen C0003499, MONDO:0008504, OMIM 185500, HP:0004381.

Allele frequency attached by ClinVar (database versions not stated): gnomAD exomes below 0.00001; ExAC 0.00001; gnomAD 0.00001; TOPMed 0.00001.
gnomAD v4.1: 7 of 1,522,890 alleles (0.00046%); highest among the groups gnomAD compares: Admixed American, 0.0021%; no homozygotes.

Submission:

Labcorp Genetics (formerly Invitae), Labcorp
Classification: Uncertain significance for Supravalvar aortic stenosis. Last evaluated: 2025-09-29. Review status: criteria provided, single submitter. Criteria: Invitae Variant Classification Sherloc (09022015). Collection method: clinical testing. Allele origin: germline.
Comment: This sequence change replaces alanine, which is neutral and non-polar, with threonine, which is neutral and polar, at codon 470 of the ELN protein (p.Ala470Thr). The frequency data for this variant in the population databases is considered unreliable, as metrics indicate poor data quality at this position in the gnomAD database. This variant has not been reported in the literature in individuals affected with ELN-related conditions. ClinVar contains an entry for this variant (Variation ID: 2724761). Invitae Evidence Modeling of protein sequence and biophysical properties (such as structural, functional, and spatial information, amino acid conservation, physicochemical variation, residue mobility, and thermodynamic stability) indicates that this missense variant is not expected to disrupt ELN protein function with a negative predictive value of 80%. In summary, the available evidence is currently insufficient to determine the role of this variant in disease. Therefore, it has been classified as a Variant of Uncertain Significance.